The following is an entry in ClinVar:

ClinVar aggregate classification (germline): Uncertain significance. Review status: criteria provided, multiple submitters, no conflicts (2 of 4 stars). 3 submissions from 3 submitters: Uncertain significance (3). Last evaluated 2026-05-01.

Conditions:
UNC45A-related disorder. Also called: UNC45A-related condition.
Inborn genetic diseases. Identifiers: MedGen C0950123, MeSH D030342.

Allele frequency attached by ClinVar (database versions not stated): ESP Exome Variant Server 0.00015; ExAC 0.00020; gnomAD exomes 0.00031 and 0.00050; TOPMed 0.00036; gnomAD 0.00038.
gnomAD v4.1: 776 of 1,614,032 alleles (0.048%); highest among the groups gnomAD compares: Admixed American, 0.098%; no homozygotes.

Submissions (3):

PreventionGenetics, part of Exact Sciences
Classification: Uncertain significance for UNC45A-related condition. Last evaluated: 2026-05-01. Review status: criteria provided, single submitter. Criteria: ACMG Guidelines, 2015. Collection method: clinical testing. Allele origin: germline.
Comment: The UNC45A c.1633C>T variant is predicted to result in the amino acid substitution p.Arg545Cys. To our knowledge, this variant has not been reported in the literature. This variant is reported in 0.059% of alleles in individuals of Latino descent in gnomAD. Although we suspect that this variant may be benign, at this time, the clinical significance of this variant is uncertain due to the absence of conclusive functional and genetic evidence.

Ambry Genetics
Classification: Uncertain significance for Inborn genetic diseases. Last evaluated: 2025-02-24. Review status: criteria provided, single submitter. Criteria: Ambry Variant Classification Scheme 2023. Collection method: clinical testing. Allele origin: germline.

Labcorp Genetics (formerly Invitae), Labcorp
Classification: Uncertain significance. Last evaluated: 2025-02-03. Review status: criteria provided, single submitter. Criteria: Invitae Variant Classification Sherloc (09022015). Collection method: clinical testing. Allele origin: germline.
Comment: This sequence change replaces arginine, which is basic and polar, with cysteine, which is neutral and slightly polar, at codon 545 of the UNC45A protein (p.Arg545Cys). This variant is present in population databases (rs200394198, gnomAD 0.06%). This variant has not been reported in the literature in individuals affected with UNC45A-related conditions. ClinVar contains an entry for this variant (Variation ID: 1005970). Invitae Evidence Modeling of protein sequence and biophysical properties (such as structural, functional, and spatial information, amino acid conservation, physicochemical variation, residue mobility, and thermodynamic stability) has been performed for this missense variant. However, the output from this modeling did not meet the statistical confidence thresholds required to predict the impact of this variant on UNC45A protein function. In summary, the available evidence is currently insufficient to determine the role of this variant in disease. Therefore, it has been classified as a Variant of Uncertain Significance.

NM_018671.5(UNC45A):c.1633C>T (p.Arg545Cys)

Gene: UNC45A (unc-45 myosin chaperone A; plus strand). Cytogenetic location: 15q26.1.
Variant type: single nucleotide variant.
Coding change: c.1633C>T on transcript NM_018671.5 (MANE Select); coding-DNA position 1633, C replaced by T.
Protein change: p.Arg545Cys; replaces arginine 545 with cysteine.
Molecular consequence: missense variant.
Genome position (GRCh38, 1-based): chr15:90,948,179, C>T. VCF-style: chr15-90948179-C-T. GRCh37 (hg19) VCF-style: chr15-91491409-C-T.
Other names: c.1588C>T, p.Arg530Cys (NM_001039675.2, NM_001323621.2); c.1633C>T, p.Arg545Cys (NM_001323619.1); c.1198C>T, p.Arg400Cys (NM_001323620.2); c.1633C>T (NM_018671.3); short protein forms R400C, R530C, R545C.
Identifiers: ClinVar variation 1005970 (VCV001005970.7), dbSNP rs200394198, ClinGen allele CA7742999.